The following is an entry in ClinVar:

NM_001134363.3(RBM20):c.2954C>T (p.Pro985Leu)

Gene: RBM20 (RNA binding motif protein 20; plus strand). Cytogenetic location: 10q25.2.
Variant type: single nucleotide variant.
Coding change: c.2954C>T on transcript NM_001134363.3 (MANE Select); coding-DNA position 2954, C replaced by T.
Protein change: p.Pro985Leu; replaces proline 985 with leucine.
Molecular consequence: missense variant.
Genome position (GRCh38, 1-based): chr10:110,821,573, C>T. VCF-style: chr10-110821573-C-T. GRCh37 (hg19) VCF-style: chr10-112581331-C-T.
Other names: short protein forms P985L.
Identifiers: ClinVar variation 4863075 (VCV004863075.1).

ClinVar aggregate classification (germline): Uncertain significance (1 of 4 stars; one submission).

Conditions:
Cardiovascular phenotype. Identifiers: MedGen CN230736.

Submission:

Ambry Genetics
Classification: Uncertain significance for Cardiovascular phenotype. Last evaluated: 2026-05-23. Review status: criteria provided, single submitter. Criteria: Ambry Variant Classification Scheme 2023. Collection method: clinical testing. Allele origin: germline.
Comment: The p.P985L variant (also known as c.2954C>T), located in coding exon 11 of the RBM20 gene, results from a C to T substitution at nucleotide position 2954. The proline at codon 985 is replaced by leucine, an amino acid with similar properties. This amino acid position is conserved. In addition, this alteration is predicted to be tolerated by in silico analysis. Based on the available evidence, the clinical significance of this variant remains unclear.